The following is an entry in ClinVar:

NM_001356.5(DDX3X):c.1870G>A (p.Gly624Ser)

Gene: DDX3X (DEAD-box helicase 3 X-linked; plus strand). Cytogenetic location: Xp11.4.
Variant type: single nucleotide variant.
Coding change: c.1870G>A on transcript NM_001356.5 (MANE Select); coding-DNA position 1870, G replaced by A.
Protein change: p.Gly624Ser; replaces glycine 624 with serine.
Molecular consequence: missense variant. On other transcripts: non-coding transcript variant (1).
Genome position (GRCh38, 1-based): chrX:41,347,412, G>A. VCF-style: chrX-41347412-G-A. GRCh37 (hg19) VCF-style: chrX-41206665-G-A.
Other names: c.1867G>A, p.Gly623Ser (NM_001193416.3); c.1822G>A, p.Gly608Ser (NM_001193417.3); c.1309G>A, p.Gly437Ser (NM_001363819.1); short protein forms G608S, G624S, G437S, G623S.
Identifiers: ClinVar variation 4760939 (VCV004760939.1).
Genomic context (GRCh38, chrX:41,347,412, plus strand): 5'-CAAAGTAGCGGTGCCAGCAGTTCCAGCTTCAGCAGCAGCCGCGCAAGCAGCAGCCGCAGT[G>A]GCGGAGGTGGCCACGGTAGCAGCAGAGGATTTGGTGGAGGTAGTGTTAATCTGTAACTTC-3'
Protein context (NP_001347.3, residues 614-634): SSSRASSSRS[Gly624Ser]GGGHGSSRGF

ClinVar aggregate classification (germline): Uncertain significance (1 of 4 stars; one submission).

gnomAD v4.1: 5 of 1,211,635 alleles (0.00041%); highest among the groups gnomAD compares: African/African-American, 0.0017%; no homozygotes.

Submission:

Labcorp Genetics (formerly Invitae), Labcorp
Classification: Uncertain significance. Last evaluated: 2025-02-02. Review status: criteria provided, single submitter. Criteria: Invitae Variant Classification Sherloc (09022015). Collection method: clinical testing. Allele origin: germline.
Comment: This sequence change replaces glycine, which is neutral and non-polar, with serine, which is neutral and polar, at codon 623 of the DDX3X protein (p.Gly623Ser). This variant is present in population databases (no rsID available, gnomAD 0.008%). This variant has not been reported in the literature in individuals affected with DDX3X-related conditions. Experimental studies and prediction algorithms are not available or were not evaluated, and the functional significance of this variant is currently unknown. In summary, the available evidence is currently insufficient to determine the role of this variant in disease. Therefore, it has been classified as a Variant of Uncertain Significance.